The following is an entry in ClinVar:

ClinVar aggregate classification (germline): Benign. Review status: criteria provided, single submitter (1 of 4 stars). 2 submissions from 2 submitters: Benign (1). 1 of the submissions does not count toward it. Last evaluated 2026-01-27.

Conditions:
GREB1L-related disorder. Also called: GREB1L-related condition.

Allele frequency attached by ClinVar (database versions not stated): gnomAD exomes 0.00012; ExAC 0.00058; gnomAD 0.00118; TOPMed 0.00124; 1000 Genomes Project 0.00140; 1000 Genomes Project 30x 0.00141; ESP Exome Variant Server 0.00175.
gnomAD v4.1: 354 of 1,550,688 alleles (0.023%); highest among the groups gnomAD compares: African/African-American, 0.38%; no homozygotes.

Submissions (2):

Labcorp Genetics (formerly Invitae), Labcorp
Classification: Benign. Last evaluated: 2026-01-27. Review status: criteria provided, single submitter. Criteria: Invitae Variant Classification Sherloc (09022015). Collection method: clinical testing. Allele origin: germline.

PreventionGenetics, part of Exact Sciences
Classification: Likely benign for GREB1L-related condition. Last evaluated: 2020-05-26. Review status: no assertion criteria provided. Collection method: clinical testing. Allele origin: germline. Not counted in ClinVar's aggregate classification.
Comment: This variant is classified as likely benign based on ACMG/AMP sequence variant interpretation guidelines (Richards et al. 2015 PMID: 25741868, with internal and published modifications).

NM_001142966.3(GREB1L):c.1388G>A (p.Arg463Gln)

Genes: GREB1L (GREB1 like retinoic acid receptor coactivator; plus strand), GREB1L-AS1 (GREB1L antisense RNA 1; minus strand). Cytogenetic location: 18q11.1.
Variant type: single nucleotide variant.
Coding change: c.1388G>A on transcript NM_001142966.3 (MANE Select); coding-DNA position 1388, G replaced by A.
Protein change: p.Arg463Gln; replaces arginine 463 with glutamine.
Molecular consequence: missense variant.
Genome position (GRCh38, 1-based): chr18:21,444,404, G>A. VCF-style: chr18-21444404-G-A. GRCh37 (hg19) VCF-style: chr18-19024365-G-A.
Other names: c.1517G>A, p.Arg506Gln (NM_001410867.1); c.1388G>A, p.Arg463Gln (NM_001410868.1); c.1388G>A (NM_001142966.1); short protein forms R463Q, R506Q.
Identifiers: ClinVar variation 2066798 (VCV002066798.6), dbSNP rs140882830, ClinGen allele CA8906402.
Genomic context (GRCh38, chr18:21,444,404, plus strand): 5'-CCGGCAGCCAATTTCTGAGCGTGGAAAACATGATTCTTCTGACGATACAGTATCTTGTGC[G>A]GCTGGGTAAGTCATTTTCCATAATCATTTGCTGGTGACTACTTTTGAGGATTTTTTGTGA-3'
Protein context (NP_001136438.1, residues 453-473): MILLTIQYLV[Arg463Gln]LGPDQVPLRE